The following is an entry in ClinVar:

NM_001267550.2(TTN):c.74368_74376delinsTAAG (p.Leu24790_Asn24792delinsTer)

Genes: TTN (titin; minus strand), TTN-AS1 (TTN antisense RNA 1; plus strand). Cytogenetic location: 2q31.2.
Variant type: Indel.
Coding change: c.74368_74376delinsTAAG on transcript NM_001267550.2 (MANE Select); coding-DNA positions 74368 to 74376, CTGACTAAC replaced by TAAG.
Protein change: p.Leu24790_Asn24792delinsTer.
Molecular consequence: nonsense.
Genome position (GRCh38, 1-based): chr2:178,571,756-178,571,764, GTTAGTCAG replaced by CTTA on the plus strand (CTGACTAAC replaced by TAAG on the coding strand, the reverse complement: TTN is on the minus strand). VCF-style: chr2-178571756-GTTAGTCAG-CTTA. GRCh37 (hg19) VCF-style: chr2-179436483-GTTAGTCAG-CTTA.
Other names: c.74368_74376delinsTAAG (NM_001267550.1); c.47173_47181del9insTAAG (NM_003319.4); c.69445_69453delCTGACTAACinsTAAG (NM_001256850.1); c.69445_69453delinsTAAG, p.Leu23149_Asn23151delinsTer (NM_001256850.1); c.47173_47181delinsTAAG, p.Leu15725_Asn15727delinsTer (NM_003319.4); c.66664_66672delinsTAAG, p.Leu22222_Asn22224delinsTer (NM_133378.4); c.47548_47556delinsTAAG, p.Leu15850_Asn15852delinsTer (NM_133432.3); c.47749_47757delinsTAAG, p.Leu15917_Asn15919delinsTer (NM_133437.4).
Identifiers: ClinVar variation 423379 (VCV000423379.11), dbSNP rs1064796390, ClinGen allele CA16617353.

ClinVar aggregate classification (germline): Pathogenic/Likely pathogenic. Review status: criteria provided, multiple submitters, no conflicts (2 of 4 stars). 4 submissions from 4 submitters: Pathogenic (2); Likely pathogenic (2). Last evaluated 2026-01-23.

Conditions:
Cardiovascular phenotype. Identifiers: MedGen CN230736.
Autosomal recessive limb-girdle muscular dystrophy type 2J (LGMDR10). Also called: MUSCULAR DYSTROPHY, LIMB-GIRDLE, AUTOSOMAL RECESSIVE 10; Limb-girdle muscular dystrophy, type 2J. Identifiers: Orphanet 140922, MedGen C1837342, MONDO:0012127, OMIM 608807.
Dilated cardiomyopathy 1G (CMD1G). Identifiers: Orphanet 154, MedGen C1858763, MONDO:0011400, OMIM 604145.
Myopathy, myofibrillar, 9, with early respiratory failure (MFM9). Also called: Myopathy, distal, with early respiratory failure, autosomal dominant; Hereditary myopathy with early respiratory failure; EDSTROM MYOPATHY; MYOPATHY, PROXIMAL, WITH EARLY RESPIRATORY MUSCLE INVOLVEMENT. Identifiers: Orphanet 178464, Orphanet 34521, MedGen C1863599, MONDO:0011362, OMIM 603689.
Tibial muscular dystrophy (TMD). Also called: UDD MYOPATHY; Tibial muscular dystrophy, tardive; Udd Distal Myopathy – Tibial Muscular Dystrophy. Identifiers: Orphanet 609, MedGen C1838244, MONDO:0010870, OMIM 600334.
Early-onset myopathy with fatal cardiomyopathy (CMYO5). Also called: Salih Myopathy; CONGENITAL MYOPATHY 5 WITH CARDIOMYOPATHY. Identifiers: Orphanet 289377, MedGen C2673677, MONDO:0012714, OMIM 611705. Disease mechanism: loss of function.
Hypertrophic cardiomyopathy 9. Also called: Familial hypertrophic cardiomyopathy 9. Identifiers: MedGen C1861065, MONDO:0013412, OMIM 613765.

Submissions (4):

Ambry Genetics
Classification: Pathogenic for Cardiovascular phenotype. Last evaluated: 2026-01-23. Review status: criteria provided, single submitter. Criteria: Ambry Variant Classification Scheme 2023. Collection method: clinical testing. Allele origin: germline.
Comment: The c.47173_47181del9insTAAG pathogenic mutation, located in coding exon 153 of the TTN gene, results from the deletion of 9 nucleotides and insertion of 4 nucleotides causing a translational frameshift with a predicted alternate stop codon (p.L15725*). This exon is located in the A-band region of the N2-B isoform of the titin protein and is constitutively expressed in TTN transcripts (percent spliced in or PSI 100%). This variant was identified in one or more individuals with features consistent with dilated cardiomyopathy and segregated with disease in at least one family (external communication; Ambry internal data). This variant is considered to be rare based on population cohorts in the Genome Aggregation Database (gnomAD). This variant is expected to result in loss of function by premature protein truncation or nonsense-mediated mRNA decay. While truncating variants in TTN are present in 1-3% of the general population, truncating variants in the A-band are the most common cause of dilated cardiomyopathy (Herman DS et al. N. Engl. J. Med., 2012 Feb;366:619-28; Roberts AM et al. Sci Transl Med, 2015 Jan;7:270ra6). TTN truncating variants encoded in constitutive exons (PSI >90%) have been found to be significantly associated with DCM regardless of their position in titin (Schafer S et al. Nat. Genet., 2017 01;49:46-53; Akhtar MM et al. Circ Heart Fail, 2020 Oct;13:e006832; Massier M et al. Clin Genet, 2025 Jan). Based on the supporting evidence, this variant is interpreted as a disease-causing mutation.

GeneDx
Classification: Likely pathogenic. Last evaluated: 2024-04-10. Review status: criteria provided, single submitter. Criteria: GeneDx Variant Classification Process June 2021. Collection method: clinical testing. Allele origin: germline. Affected: yes.
Comment: Nonsense variant predicted to result in protein truncation or nonsense mediated decay in a gene for which loss of function is a known mechanism of disease; Located in the A-band region of TTN in which the majority of loss of function variants have been associated with autosomal dominant titinopathies (PMID: 22335739); Not observed at significant frequency in large population cohorts (gnomAD); Has not been previously published as pathogenic or benign to our knowledge; This variant is associated with the following publications: (PMID: 22335739)

Labcorp Genetics (formerly Invitae), Labcorp
Classification: Pathogenic for Dilated cardiomyopathy 1G; Autosomal recessive limb-girdle muscular dystrophy type 2J. Last evaluated: 2024-03-24. Review status: criteria provided, single submitter. Criteria: Invitae Variant Classification Sherloc (09022015). Collection method: clinical testing. Allele origin: germline.
Comment: This sequence change creates a premature translational stop signal (p.Leu24790*) in the TTN gene. While this is not anticipated to result in nonsense mediated decay, it is expected to create a truncated TTN protein. Information on the frequency of this variant in the gnomAD database is not available, as this variant may be reported differently in the database. This premature translational stop signal has been observed in individuals with clinical features of dilated cardiomyopathy (Invitae). It has also been observed to segregate with disease in related individuals. This variant is located in the A band of TTN (PMID: 25589632). Truncating variants in this region are significantly overrepresented in patients affected with dilated cardiomyopathy (PMID: 25589632). Truncating variants in this region have also been reported in individuals affected with autosomal recessive centronuclear myopathy (PMID: 23975875). For these reasons, this variant has been classified as Pathogenic.

Fulgent Genetics
Classification: Likely pathogenic for Tibial muscular dystrophy; Myopathy, myofibrillar, 9, with early respiratory failure; Dilated cardiomyopathy 1G; Autosomal recessive limb-girdle muscular dystrophy type 2J; Early-onset myopathy with fatal cardiomyopathy; Hypertrophic cardiomyopathy 9. Last evaluated: 2021-09-08. Review status: criteria provided, single submitter. Criteria: ACMG Guidelines, 2015. Collection method: clinical testing. Allele origin: unknown.

Literature cited by the submitters: PubMed 25589632 (cited by Labcorp Genetics (formerly Invitae), Labcorp); PubMed 23975875 (cited by Labcorp Genetics (formerly Invitae), Labcorp).